The following is an entry in ClinVar:

NM_017433.5(MYO3A):c.2275A>T (p.Asn759Tyr)

Gene: MYO3A (myosin IIIA; plus strand). Cytogenetic location: 10p12.1.
Variant type: single nucleotide variant.
Coding change: c.2275A>T on transcript NM_017433.5 (MANE Select); coding-DNA position 2275, A replaced by T.
Protein change: p.Asn759Tyr; replaces asparagine 759 with tyrosine.
Molecular consequence: missense variant.
Genome position (GRCh38, 1-based): chr10:26,143,460, A>T. VCF-style: chr10-26143460-A-T. GRCh37 (hg19) VCF-style: chr10-26432389-A-T.
Other names: short protein forms N759Y.
Identifiers: ClinVar variation 164620 (VCV000164620.34), dbSNP rs201033926, ClinGen allele CA177336.

ClinVar aggregate classification (germline): Conflicting classifications of pathogenicity. Review status: criteria provided, conflicting classifications (1 of 4 stars). 9 submissions from 9 submitters: Uncertain significance (7); Likely benign (1). 1 of the submissions does not count toward it. Last evaluated 2025-11-13.

Conditions:
MYO3A-related disorder. Also called: MYO3A-related condition.
Autosomal recessive nonsyndromic hearing loss 30. Identifiers: Orphanet 90636, MedGen C1846784, MONDO:0011774, OMIM 607101.

Allele frequency attached by ClinVar (database versions not stated): ExAC 0.00015; gnomAD exomes 0.00025; gnomAD 0.00027 and 0.00030; TOPMed 0.00034; ESP Exome Variant Server 0.00038.
gnomAD v4.1: 931 of 1,612,100 alleles (0.058%); highest among the groups gnomAD compares: Non-Finnish European, 0.073%; no homozygotes.

Submissions (9):

GeneDx
Classification: Uncertain significance. Last evaluated: 2025-11-13. Review status: criteria provided, single submitter. Criteria: GeneDx Variant Classification Process June 2021. Collection method: clinical testing. Allele origin: germline. Affected: yes.
Comment: Identified in a patient with bilateral sensorineural hearing loss who also harbored several other variants in different genes in published literature (PMID: 29907799); In silico analysis supports that this missense variant has a deleterious effect on protein structure/function; This variant is associated with the following publications: (PMID: 29907799)

PreventionGenetics, part of Exact Sciences
Classification: Uncertain significance for MYO3A-related condition. Last evaluated: 2025-11-11. Review status: criteria provided, single submitter. Criteria: ACMG Guidelines, 2015. Collection method: clinical testing. Allele origin: germline.
Comment: The MYO3A c.2275A>T variant is predicted to result in the amino acid substitution p.Asn759Tyr. To our knowledge, this variant has not been reported in the literature. This variant is reported in 0.049% of alleles in individuals of European (Non-Finnish) descent in gnomAD. At this time, the clinical significance of this variant is uncertain due to the absence of conclusive functional and genetic evidence.

CeGaT Center for Human Genetics Tuebingen
Classification: Likely benign. Last evaluated: 2025-02-01. Review status: criteria provided, single submitter. Criteria: CeGaT Center For Human Genetics Tuebingen Variant Classification Criteria Version 2. Collection method: clinical testing. Allele origin: germline. Affected: yes. Observed: 1 variant allele.
Comment: MYO3A: BP4, BS1:Supporting

Blueprint Genetics
Classification: Uncertain significance. Last evaluated: 2024-07-02. Review status: criteria provided, single submitter. Criteria: ACMG Guidelines, 2015. Collection method: clinical testing. Allele origin: germline.

Labcorp Genetics (formerly Invitae), Labcorp
Classification: Uncertain significance. Last evaluated: 2024-06-18. Review status: criteria provided, single submitter. Criteria: Invitae Variant Classification Sherloc (09022015). Collection method: clinical testing. Allele origin: germline.
Comment: This sequence change replaces asparagine, which is neutral and polar, with tyrosine, which is neutral and polar, at codon 759 of the MYO3A protein (p.Asn759Tyr). This variant is present in population databases (rs201033926, gnomAD 0.05%). This variant has not been reported in the literature in individuals affected with MYO3A-related conditions. ClinVar contains an entry for this variant (Variation ID: 164620). Advanced modeling of protein sequence and biophysical properties (such as structural, functional, and spatial information, amino acid conservation, physicochemical variation, residue mobility, and thermodynamic stability) performed at Invitae indicates that this missense variant is not expected to disrupt MYO3A protein function with a negative predictive value of 80%. In summary, the available evidence is currently insufficient to determine the role of this variant in disease. Therefore, it has been classified as a Variant of Uncertain Significance.

Fulgent Genetics
Classification: Uncertain significance for Autosomal recessive nonsyndromic hearing loss 30. Last evaluated: 2021-07-19. Review status: criteria provided, single submitter. Criteria: ACMG Guidelines, 2015. Collection method: clinical testing. Allele origin: unknown.

Illumina Laboratory Services, Illumina
Classification: Uncertain significance for Autosomal recessive nonsyndromic hearing loss 30. Last evaluated: 2018-01-12. Review status: criteria provided, single submitter. Criteria: ICSL Variant Classification Criteria 13 December 2019. Collection method: clinical testing. Allele origin: germline.

Laboratory for Molecular Medicine, Mass General Brigham Personalized Medicine
Classification: Uncertain significance. Last evaluated: 2014-09-12. Review status: criteria provided, single submitter. Criteria: LMM Criteria. Collection method: clinical testing. Allele origin: germline. Observed: 4 variant alleles.
Comment: Variant classified as Uncertain Significance - Favor Benign. The p.Asn759Tyr var iant in MYO3A has been identified in three individuals with hearing loss, but no ne of them carries a second variant in the MYO3A gene (LMM unpublished data). Th is variant has also been identified in 0.06% (5/8600) of European American chrom osomes by the NHLBI Exome Sequencing Project (dbSNP rs201033926). Although this variant has been seen in the general populati on, its frequency is not high enough to rule out a pathogenic role. The asparagi ne (Asn) at position 759 is moderately conserved in mammals and evolutionary dis tant species; however, several species of birds and reptiles carry a tyrosine (T yr) at this position, supporting that this change may be tolerated. Additional c omputational prediction tools suggest this variant may not impact the protein. I n summary, while the clinical significance of the p.Asn759Tyr variant is uncerta in, these data suggest that it is more likely to be benign.

Division of Human Genetics, Children's Hospital of Philadelphia
Classification: Uncertain significance for Autosomal recessive nonsyndromic hearing loss 30. Last evaluated: 2016-02-09. Review status: no assertion criteria provided. Collection method: research. Allele origin: germline. Affected: yes. Study: CSER-PediSeq. Not counted in ClinVar's aggregate classification.